The following is an entry in ClinVar:

NM_004333.6(BRAF):c.241-10T>G

Gene: BRAF (B-Raf proto-oncogene, serine/threonine kinase; minus strand). Cytogenetic location: 7q34.
Variant type: single nucleotide variant.
Coding change: c.241-10T>G on transcript NM_004333.6 (MANE Select); 10 bases into the intron before coding-DNA position 241, T replaced by G.
Molecular consequence: intron variant.
Genome position (GRCh38, 1-based): chr7:140,834,882, A>C on the plus strand (T>G on the coding strand, the complement: BRAF is on the minus strand). VCF-style: chr7-140834882-A-C. GRCh37 (hg19) VCF-style: chr7-140534682-A-C.
Other names: c.241-10T>G (NM_001378468.1, NM_001354609.2, NM_001374258.1 and 5 more transcripts); c.85-10T>G (NM_001378472.1, NM_001378473.1); c.139-10T>G (NM_001378470.1); c.240+15229T>G (NM_001378475.1).
Identifiers: ClinVar variation 2748636 (VCV002748636.3), dbSNP rs2536498512, ClinGen allele CA2579043852.

ClinVar aggregate classification (germline): Uncertain significance (1 of 4 stars; one submission).

Conditions:
RASopathy. Also called: rasopathies; Noonan spectrum disorder. Identifiers: Orphanet 536391, MedGen C5555857, MONDO:0021060.

Submission:

Labcorp Genetics (formerly Invitae), Labcorp
Classification: Uncertain significance for RASopathy. Last evaluated: 2023-07-31. Review status: criteria provided, single submitter. Criteria: Invitae Variant Classification Sherloc (09022015). Collection method: clinical testing. Allele origin: germline.
Comment: In summary, the available evidence is currently insufficient to determine the role of this variant in disease. Therefore, it has been classified as a Variant of Uncertain Significance. Algorithms developed to predict the effect of sequence changes on RNA splicing suggest that this variant may create or strengthen a splice site. This variant has not been reported in the literature in individuals affected with BRAF-related conditions. This variant is not present in population databases (gnomAD no frequency). This sequence change falls in intron 2 of the BRAF gene. It does not directly change the encoded amino acid sequence of the BRAF protein.